The following is an entry in ClinVar:

ClinVar aggregate classification (germline): Uncertain significance. Review status: criteria provided, multiple submitters, no conflicts (2 of 4 stars). 5 submissions from 5 submitters: Uncertain significance (5). Last evaluated 2024-10-10.

Conditions:
Hereditary cancer-predisposing syndrome. Also called: Neoplastic Syndromes, Hereditary; Hereditary Cancer Syndrome; Hereditary neoplastic syndrome; Tumor predisposition. Identifiers: Orphanet 140162, MedGen C0027672, MeSH D009386, MONDO:0015356.
Cardiovascular phenotype. Identifiers: MedGen CN230736.
Neurofibromatosis, type 1 (NF1). Also called: VON RECKLINGHAUSEN DISEASE; Peripheral type neurofibromatosis; NEUROFIBROMATOSIS, TYPE I, SOMATIC; Neurofibromatosis, type I. Identifiers: Orphanet 636, MedGen C0027831, MONDO:0018975, OMIM 162200. Disease mechanism: loss of function.

Allele frequency attached by ClinVar (database versions not stated): gnomAD exomes 0.00001.
gnomAD v4.1: 17 of 1,613,642 alleles (0.0011%); highest among the groups gnomAD compares: Non-Finnish European, 0.0014%; no homozygotes.

Submissions (5):

Labcorp Genetics (formerly Invitae), Labcorp
Classification: Uncertain significance for Neurofibromatosis, type 1. Last evaluated: 2024-10-10. Review status: criteria provided, single submitter. Criteria: Invitae Variant Classification Sherloc (09022015). Collection method: clinical testing. Allele origin: germline.
Comment: This sequence change replaces alanine, which is neutral and non-polar, with glycine, which is neutral and non-polar, at codon 754 of the NF1 protein (p.Ala754Gly). This variant is not present in population databases (gnomAD no frequency). This variant has not been reported in the literature in individuals affected with NF1-related conditions. ClinVar contains an entry for this variant (Variation ID: 457576). Invitae Evidence Modeling of protein sequence and biophysical properties (such as structural, functional, and spatial information, amino acid conservation, physicochemical variation, residue mobility, and thermodynamic stability) indicates that this missense variant is not expected to disrupt NF1 protein function with a negative predictive value of 95%. In summary, the available evidence is currently insufficient to determine the role of this variant in disease. Therefore, it has been classified as a Variant of Uncertain Significance.

Ambry Genetics
Classification: Uncertain significance for Cardiovascular phenotype; Hereditary cancer-predisposing syndrome. Last evaluated: 2024-07-05. Review status: criteria provided, single submitter. Criteria: Ambry Variant Classification Scheme 2023. Collection method: clinical testing. Allele origin: germline.
Comment: The p.A754G variant (also known as c.2261C>G), located in coding exon 19 of the NF1 gene, results from a C to G substitution at nucleotide position 2261. The alanine at codon 754 is replaced by glycine, an amino acid with similar properties. This amino acid position is conserved. In addition, this alteration is predicted to be tolerated by in silico analysis. Since supporting evidence is limited at this time, the clinical significance of this alteration remains unclear.

Genome-Nilou Lab
Classification: Uncertain significance for Neurofibromatosis, type 1. Last evaluated: 2022-03-15. Review status: criteria provided, single submitter. Criteria: ACMG Guidelines, 2015. Collection method: clinical testing. Allele origin: germline. Affected: no.

Sema4
Classification: Uncertain significance for Hereditary cancer-predisposing syndrome. Last evaluated: 2022-02-12. Review status: criteria provided, single submitter. Criteria: Sema4 Curation Guidelines. Collection method: curation. Allele origin: germline.
Comment: The NF1 c.2261C>G (p.A754G) variant has been reported in a large case-control study in 1/60466 breast cancer cases and 0/53461 controls (PMID: 33471991). It was not observed in the large and broad cohorts of the Genome Aggregation Database (PMID: 32461654). This variant has been reported in ClinVar (Variation ID: 457576). Functional studies have not been performed, and in silico predictions of the variant's effect on protein function are inconclusive. The evidence is insufficient to meet ACMG/AMP criteria for classifying the variant as benign or pathogenic. Thus, the clinical significance of this variant is currently uncertain.

Blueprint Genetics
Classification: Uncertain significance. Last evaluated: 2019-06-13. Review status: criteria provided, single submitter. Criteria: ACMG Guidelines, 2015. Collection method: clinical testing. Allele origin: germline.

Literature cited by the submitters: PubMed 33471991 (cited by Sema4).

NM_001042492.3(NF1):c.2261C>G (p.Ala754Gly)

Gene: NF1 (neurofibromin 1; plus strand). Cytogenetic location: 17q11.2.
Variant type: single nucleotide variant.
Coding change: c.2261C>G on transcript NM_001042492.3 (MANE Select); coding-DNA position 2261, C replaced by G.
Protein change: p.Ala754Gly; replaces alanine 754 with glycine.
Molecular consequence: missense variant.
Genome position (GRCh38, 1-based): chr17:31,227,227, C>G. VCF-style: chr17-31227227-C-G. GRCh37 (hg19) VCF-style: chr17-29554245-C-G.
Other names: c.2261C>G, p.Ala754Gly (NM_000267.4); short protein forms A754G.
Identifiers: ClinVar variation 457576 (VCV000457576.14), dbSNP rs1555613912, ClinGen allele CA398982695.